The following is an entry in ClinVar:

ClinVar aggregate classification (germline): Pathogenic/Likely pathogenic. Review status: criteria provided, multiple submitters, no conflicts (2 of 4 stars). 3 submissions from 3 submitters: Pathogenic (1); Likely pathogenic (2). Last evaluated 2023-03-18.

Conditions:
Medium-chain acyl-coenzyme A dehydrogenase deficiency (ACADMD). Also called: MCAD Deficiency; ACADM DEFICIENCY; MCADD; Medium chain acyl-CoA dehydrogenase deficiency; MCADH DEFICIENCY; CARNITINE DEFICIENCY SECONDARY TO MEDIUM-CHAIN ACYL-CoA DEHYDROGENASE DEFICIENCY. Identifiers: Orphanet 42, MedGen C0220710, MONDO:0008721, OMIM 201450.

Submissions (3):

Baylor Genetics
Classification: Likely pathogenic for Medium-chain acyl-coenzyme A dehydrogenase deficiency. Last evaluated: 2023-03-18. Review status: criteria provided, single submitter. Criteria: ACMG Guidelines, 2015. Collection method: clinical testing. Allele origin: unknown.

Revvity Omics, Revvity
Classification: Likely pathogenic for Medium-chain acyl-coenzyme A dehydrogenase deficiency. Last evaluated: 2021-11-30. Review status: criteria provided, single submitter. Criteria: ACMG Guidelines, 2015. Collection method: clinical testing. Allele origin: germline.

Labcorp Genetics (formerly Invitae), Labcorp
Classification: Pathogenic for Medium-chain acyl-coenzyme A dehydrogenase deficiency. Last evaluated: 2017-10-31. Review status: criteria provided, single submitter. Criteria: Invitae Variant Classification Sherloc (09022015). Collection method: clinical testing. Allele origin: germline.
Comment: This variant is not present in population databases (ExAC no frequency). For these reasons, this variant has been classified as Pathogenic. Loss-of-function variants in ACADM are known to be pathogenic (PMID: 16121256, 20434380). This variant has not been reported in the literature in individuals with ACADM-related disease. This sequence change creates a premature translational stop signal (p.Phe55Leufs*23) in the ACADM gene. It is expected to result in an absent or disrupted protein product.

Literature cited by the submitters: PubMed 16121256 (cited by Labcorp Genetics (formerly Invitae), Labcorp); PubMed 20434380 (cited by Labcorp Genetics (formerly Invitae), Labcorp).

NM_000016.6(ACADM):c.165del (p.Phe55fs)

Gene: ACADM (acyl-CoA dehydrogenase medium chain; plus strand). Cytogenetic location: 1p31.1.
Variant type: Deletion.
Coding change: c.165del on transcript NM_000016.6 (MANE Select); coding-DNA position 165, one base deleted (T; older notation c.165delT).
Protein change: p.Phe55fs; shifts the reading frame from phenylalanine 55.
Molecular consequence: frameshift variant. On other transcripts: 5 prime UTR variant (1).
Genome position (GRCh38, 1-based): chr1:75,732,690, T deleted; the last of 3 consecutive T bases (chr1:75,732,688-75,732,690); deleting any one gives the same sequence. VCF-style (leftmost placement, unchanged base first): chr1-75732687-AT-A. GRCh37 (hg19) VCF-style: chr1-76198372-AT-A.
Other names: c.177del, p.Phe59fs (NM_001127328.3); c.57del, p.Phe19fs (NM_001286042.2); c.165del, p.Phe55fs (NM_001286043.2); c.-221del (NM_001286044.2); c.165delT (NM_000016.5); c.165del (NM_000016.5); short protein forms F55fs, F19fs, F59fs.
Identifiers: ClinVar variation 576994 (VCV000576994.10), dbSNP rs1319192670, ClinGen allele CA738857956.
Genomic context (GRCh38, chr1:75,732,687, plus strand): 5'-AAATAATTTTCCCTTAGAGTTCACCGAACAGCAGAAAGAATTTCAAGCTACTGCTCGTAA[AT>A]TTGCCAGAGAGGAAATCATCCCAGTGGCTGCAGAATATGATAAAACTGGTGAAGTAGGTA-3'